The following is an entry in ClinVar:

ClinVar aggregate classification (germline): Likely benign (1 of 4 stars; one submission).

Allele frequency attached by ClinVar (database versions not stated): ExAC 0.00016; gnomAD exomes 0.00018; gnomAD 0.00029; TOPMed 0.00032; 1000 Genomes Project 30x 0.00047.

Submission:

CeGaT Center for Human Genetics Tuebingen
Classification: Likely benign. Last evaluated: 2023-01-01. Review status: criteria provided, single submitter. Criteria: CeGaT Center For Human Genetics Tuebingen Variant Classification Criteria Version 2. Collection method: clinical testing. Allele origin: germline. Affected: yes. Observed: 2 variant alleles.
Comment: NACAD: BP4, BP7

NM_001146334.2(NACAD):c.3336T>C (p.Pro1112=)

Gene: NACAD (NAC alpha domain containing; minus strand). Cytogenetic location: 7p13.
Variant type: single nucleotide variant.
Coding change: c.3336T>C on transcript NM_001146334.2 (MANE Select); coding-DNA position 3336, T replaced by C.
Protein change: p.Pro1112=; no amino-acid change (proline 1112 retained).
Molecular consequence: synonymous variant.
Genome position (GRCh38, 1-based): chr7:45,082,844, A>G on the plus strand (T>C on the coding strand, the complement: NACAD is on the minus strand). VCF-style: chr7-45082844-A-G. GRCh37 (hg19) VCF-style: chr7-45122443-A-G.
Identifiers: ClinVar variation 2657441 (VCV002657441.24), dbSNP rs766034449, ClinGen allele CA4247538.
Genomic context (GRCh38, chr7:45,082,844, plus strand): 5'-CTTGCCACTCAGGCCTCTTTCCTCCCTGGCTGGGCTCAGGAGCCGGGCCTGGCTGACCTC[A>G]GGGCAGGCAGCAGGAGGCGCATCGGGGACCTCCCTTGCACCTCCAAGTGCTGACCTGGGT-3'
Protein context (NP_001139806.1, residues 1102-1122): EVPDAPPAAC[Pro1112=]EVSQARLLSP